The following is an entry in ClinVar:

ClinVar aggregate classification (germline): Uncertain significance (1 of 4 stars; one submission).

Allele frequency attached by ClinVar (database versions not stated): gnomAD exomes below 0.00001.
gnomAD v4.1: 1 of 1,614,104 alleles (0.000062%); highest among the groups gnomAD compares: Non-Finnish European, 0.000085%; no homozygotes.

Submission:

Labcorp Genetics (formerly Invitae), Labcorp
Classification: Uncertain significance. Last evaluated: 2021-12-31. Review status: criteria provided, single submitter. Criteria: Invitae Variant Classification Sherloc (09022015). Collection method: clinical testing. Allele origin: germline.
Comment: In summary, the available evidence is currently insufficient to determine the role of this variant in disease. Therefore, it has been classified as a Variant of Uncertain Significance. Algorithms developed to predict the effect of sequence changes on RNA splicing suggest that this variant may create or strengthen a splice site. Algorithms developed to predict the effect of missense changes on protein structure and function output the following: SIFT: "Tolerated"; PolyPhen-2: "Benign"; Align-GVGD: "Class C0". The serine amino acid residue is found in multiple mammalian species, which suggests that this missense change does not adversely affect protein function. This variant has not been reported in the literature in individuals affected with MMP2-related conditions. This variant is not present in population databases (gnomAD no frequency). This sequence change replaces asparagine, which is neutral and polar, with serine, which is neutral and polar, at codon 358 of the MMP2 protein (p.Asn358Ser).

NM_004530.6(MMP2):c.1073A>G (p.Asn358Ser)

Gene: MMP2 (matrix metallopeptidase 2; plus strand). Cytogenetic location: 16q12.2.
Variant type: single nucleotide variant.
Coding change: c.1073A>G on transcript NM_004530.6 (MANE Select); coding-DNA position 1073, A replaced by G.
Protein change: p.Asn358Ser; replaces asparagine 358 with serine.
Molecular consequence: missense variant.
Genome position (GRCh38, 1-based): chr16:55,489,717, A>G. VCF-style: chr16-55489717-A-G. GRCh37 (hg19) VCF-style: chr16-55523629-A-G.
Other names: c.923A>G, p.Asn308Ser (NM_001127891.3); c.845A>G, p.Asn282Ser (NM_001302508.1, NM_001302509.2, NM_001302510.2); short protein forms N358S, N282S, N308S.
Identifiers: ClinVar variation 2067789 (VCV002067789.4), dbSNP rs2543519579, ClinGen allele CA395936227.
Genomic context (GRCh38, chr16:55,489,717, plus strand): 5'-CCACTGTTGGTGGGAACTCAGAAGGTGCCCCCTGTGTCTTCCCCTTCACTTTCCTGGGCA[A>G]CAAATATGAGAGCTGCACCAGCGCCGGCCGCAGTGACGGAAAGATGTGGTGTGCGACCAC-3'
Protein context (NP_004521.1, residues 348-368): PCVFPFTFLG[Asn358Ser]KYESCTSAGR